The following is an entry in ClinVar:

NM_000553.6(WRN):c.3734G>T (p.Ser1245Ile)

Gene: WRN (WRN RecQ like helicase; plus strand). Cytogenetic location: 8p12.
Variant type: single nucleotide variant.
Coding change: c.3734G>T on transcript NM_000553.6 (MANE Select); coding-DNA position 3734, G replaced by T.
Protein change: p.Ser1245Ile; replaces serine 1245 with isoleucine.
Molecular consequence: missense variant.
Genome position (GRCh38, 1-based): chr8:31,154,670, G>T. VCF-style: chr8-31154670-G-T. GRCh37 (hg19) VCF-style: chr8-31012186-G-T.
Other names: short protein forms S1245I.
Identifiers: ClinVar variation 960677 (VCV000960677.5), dbSNP rs1803303742, ClinGen allele CA370929002.

ClinVar aggregate classification (germline): Uncertain significance (1 of 4 stars; one submission).

Conditions:
Werner syndrome (WRN). Identifiers: Orphanet 902, MedGen C0043119, MONDO:0010196, OMIM 277700.

Submission:

Labcorp Genetics (formerly Invitae), Labcorp
Classification: Uncertain significance for Werner syndrome. Last evaluated: 2019-08-30. Review status: criteria provided, single submitter. Criteria: Invitae Variant Classification Sherloc (09022015). Collection method: clinical testing. Allele origin: germline.
Comment: This sequence change replaces serine with isoleucine at codon 1245 of the WRN protein (p.Ser1245Ile). The serine residue is moderately conserved and there is a large physicochemical difference between serine and isoleucine. This variant is not present in population databases (ExAC no frequency). This variant has not been reported in the literature in individuals with WRN-related conditions. Algorithms developed to predict the effect of missense changes on protein structure and function (SIFT, PolyPhen-2, Align-GVGD) all suggest that this variant is likely to be tolerated, but these predictions have not been confirmed by published functional studies and their clinical significance is uncertain. In summary, the available evidence is currently insufficient to determine the role of this variant in disease. Therefore, it has been classified as a Variant of Uncertain Significance.